The following is an entry in ClinVar:

NM_021629.4(GNB4):c.431-11_431-10del

Gene: GNB4 (G protein subunit beta 4; minus strand). Cytogenetic location: 3q26.33.
Variant type: Deletion.
Coding change: c.431-11_431-10del on transcript NM_021629.4 (MANE Select); 11 bases into the intron before coding-DNA position 431 through 10 bases into the intron before coding-DNA position 431, 2 bases deleted (TT; older notation c.431-11_431-10delTT).
Molecular consequence: intron variant.
Genome position (GRCh38, 1-based): chr3:179,413,791-179,413,792, AA deleted on the plus strand (TT on the coding strand, the reverse complement: GNB4 is on the minus strand); deleting any 2 consecutive bases within chr3:179,413,791-179,413,793 gives the same sequence; the c. name uses the placement nearest the transcript's 3' end. VCF-style (leftmost placement, unchanged base first): chr3-179413790-TAA-T. GRCh37 (hg19) VCF-style: chr3-179131578-TAA-T.
Identifiers: ClinVar variation 1002904 (VCV001002904.6), dbSNP rs778339130, ClinGen allele CA2712487.

ClinVar aggregate classification (germline): Uncertain significance (1 of 4 stars; one submission).

Conditions:
Charcot-Marie-Tooth disease dominant intermediate F. Identifiers: Orphanet 352670, MedGen C4749463, MONDO:0014074, OMIM 615185.

Submission:

Labcorp Genetics (formerly Invitae), Labcorp
Classification: Uncertain significance for Charcot-Marie-Tooth disease dominant intermediate F. Last evaluated: 2022-08-16. Review status: criteria provided, single submitter. Criteria: Invitae Variant Classification Sherloc (09022015). Collection method: clinical testing. Allele origin: germline.
Comment: This sequence change falls in intron 6 of the GNB4 gene. It does not directly change the encoded amino acid sequence of the GNB4 protein. This variant is present in population databases (rs778339130, gnomAD 0.0009%). This variant has not been reported in the literature in individuals affected with GNB4-related conditions. ClinVar contains an entry for this variant (Variation ID: 1002904). Algorithms developed to predict the effect of sequence changes on RNA splicing suggest that this variant may disrupt the consensus splice site. In summary, the available evidence is currently insufficient to determine the role of this variant in disease. Therefore, it has been classified as a Variant of Uncertain Significance.